The following is an entry in ClinVar:

ClinVar aggregate classification (germline): Likely pathogenic (1 of 4 stars; one submission).

Conditions:
Cardiovascular phenotype. Identifiers: MedGen CN230736.

Submission:

Ambry Genetics
Classification: Likely pathogenic for Cardiovascular phenotype. Last evaluated: 2023-06-26. Review status: criteria provided, single submitter. Criteria: Ambry Variant Classification Scheme 2023. Collection method: clinical testing. Allele origin: germline.
Comment: The c.250_273+1del25 variant results from a deletion of 25 nucleotides between positions c.250 and c.273+1 and involves the canonical splice donor site after coding exon 2 of the DSP gene. This variant is considered to be rare based on population cohorts in the Genome Aggregation Database (gnomAD). The canonical splice donor site is highly conserved in available vertebrate species. In silico splice site analysis predicts that this alteration will weaken the native splice donor site and will result in the creation or strengthening of a novel splice donor site; however, the exact impact of this deletion on DSP splicing and function is currently unknown. Alterations that disrupt the canonical splice site are expected to cause aberrant splicing, resulting in an abnormal protein or a transcript that is subject to nonsense-mediated mRNA decay. As such, this alteration is classified as likely pathogenic.

NM_004415.4(DSP):c.250_273+1del

Gene: DSP (desmoplakin; plus strand). Cytogenetic location: 6p24.3.
Variant type: Deletion.
Coding change: c.250_273+1del on transcript NM_004415.4 (MANE Select); coding-DNA position 250 through the canonical splice donor site of the intron after coding-DNA position 273, 25 bases deleted (CGAGCAGAGCTCATCGTGCAGCCTG).
Molecular consequence: splice donor variant.
Genome position (GRCh38, 1-based): chr6:7,555,797-7,555,821, CGAGCAGAGCTCATCGTGCAGCCTG deleted; deleting any 25 consecutive bases within chr6:7,555,795-7,555,821 gives the same sequence; the c. name uses the placement nearest the transcript's 3' end. VCF-style (leftmost placement, unchanged base first): chr6-7555794-ATGCGAGCAGAGCTCATCGTGCAGCC-A. GRCh37 (hg19) VCF-style: chr6-7556027-ATGCGAGCAGAGCTCATCGTGCAGCC-A.
Other names: c.250_273+1del (NM_001319034.2, NM_001008844.3, NM_001406591.1).
Identifiers: ClinVar variation 2587384 (VCV002587384.2), dbSNP rs2533842462, ClinGen allele CA2582341668.